The following is an entry in ClinVar:

NM_000540.3(RYR1):c.15005C>T (p.Thr5002Ile)

Gene: RYR1 (ryanodine receptor 1; plus strand). Cytogenetic location: 19q13.2.
Variant type: single nucleotide variant.
Coding change: c.15005C>T on transcript NM_000540.3 (MANE Select); coding-DNA position 15005, C replaced by T.
Protein change: p.Thr5002Ile; replaces threonine 5002 with isoleucine.
Molecular consequence: missense variant.
Genome position (GRCh38, 1-based): chr19:38,586,560, C>T. VCF-style: chr19-38586560-C-T. GRCh37 (hg19) VCF-style: chr19-39077200-C-T.
Other names: c.14990C>T, p.Thr4997Ile (NM_001042723.2); short protein forms T4997I, T5002I.
Identifiers: ClinVar variation 3385640 (VCV003385640.1).

ClinVar aggregate classification (germline): Uncertain significance (1 of 4 stars; one submission).

Conditions:
Malignant hyperthermia, susceptibility to, 1 (MHS1). Also called: Anesthesia related hyperthermia; Malignant hyperpyrexia; Fulminating hyperpyrexia; Pharmacogenic myopathy; Malignant hyperthermia suceptibility 1; RYR1-Related Malignant Hyperthermia Susceptibility. Identifiers: Orphanet 423, MedGen C2930980, MONDO:0007783, OMIM 145600.

Submission:

All of Us Research Program, National Institutes of Health
Classification: Uncertain significance for Malignant hyperthermia, susceptibility to, 1. Last evaluated: 2024-07-10. Review status: criteria provided, single submitter. Criteria: ACMG Guidelines, 2015. Collection method: clinical testing. Allele origin: germline. Inheritance: Autosomal dominant inheritance. Observed: 1 variant allele, 1 heterozygote.
Comment: This missense variant replaces threonine with isoleucine at codon 5002 of the RYR1 protein. Computational prediction suggests that this variant may have deleterious impact on protein structure and function (internally defined REVEL score threshold >= 0.7, PMID: 27666373). To our knowledge, functional studies have not been reported for this variant. This variant has not been reported in individuals affected with RYR1-related disorders in the literature. This variant has not been identified in the general population by the Genome Aggregation Database (gnomAD). The available evidence is insufficient to determine the role of this variant in disease conclusively. Therefore, this variant is classified as a Variant of Uncertain Significance.

This study involves interpretation of variants in research participants for the purpose of population health screening. Participant phenotype was not available at the time of variant classification. Additional details can be found in publication PMID: 35346344, PMCID: PMC8962531